The following is an entry in ClinVar:

ClinVar aggregate classification (germline): Uncertain significance. Review status: criteria provided, multiple submitters, no conflicts (2 of 4 stars). 2 submissions from 2 submitters: Uncertain significance (2). Last evaluated 2024-10-31.

Conditions:
Hereditary cancer-predisposing syndrome. Also called: Tumor predisposition; Neoplastic Syndromes, Hereditary; Hereditary Cancer Syndrome; Hereditary neoplastic syndrome. Identifiers: Orphanet 140162, MedGen C0027672, MeSH D009386, MONDO:0015356.
Neuroblastoma, susceptibility to, 3. Also called: ALK-Related Neuroblastic Tumor Susceptibility. Identifiers: Orphanet 635, MedGen C2751681, MONDO:0013083, OMIM 613014.

Allele frequency attached by ClinVar (database versions not stated): gnomAD exomes below 0.00001; ExAC 0.00001.
gnomAD v4.1: 1 of 1,614,250 alleles (0.000062%); highest among the groups gnomAD compares: Non-Finnish European, 0.000085%; no homozygotes.

Submissions (2):

Labcorp Genetics (formerly Invitae), Labcorp
Classification: Uncertain significance for Neuroblastoma, susceptibility to, 3. Last evaluated: 2024-10-31. Review status: criteria provided, single submitter. Criteria: Invitae Variant Classification Sherloc (09022015). Collection method: clinical testing. Allele origin: germline.
Comment: This sequence change replaces alanine, which is neutral and non-polar, with threonine, which is neutral and polar, at codon 841 of the ALK protein (p.Ala841Thr). This variant is present in population databases (rs766322560, gnomAD 0.0009%). This variant has not been reported in the literature in individuals affected with ALK-related conditions. ClinVar contains an entry for this variant (Variation ID: 404312). An algorithm developed to predict the effect of missense changes on protein structure and function (PolyPhen-2) suggests that this variant is likely to be disruptive. In summary, the available evidence is currently insufficient to determine the role of this variant in disease. Therefore, it has been classified as a Variant of Uncertain Significance.

Ambry Genetics
Classification: Uncertain significance for Hereditary cancer-predisposing syndrome. Last evaluated: 2024-10-11. Review status: criteria provided, single submitter. Criteria: Ambry Variant Classification Scheme 2023. Collection method: clinical testing. Allele origin: germline.
Comment: The p.A841T variant (also known as c.2521G>A), located in coding exon 15 of the ALK gene, results from a G to A substitution at nucleotide position 2521. The alanine at codon 841 is replaced by threonine, an amino acid with similar properties. This amino acid position is conserved. In addition, the in silico prediction for this alteration is inconclusive. Since supporting evidence is limited at this time, the clinical significance of this alteration remains unclear.

NM_004304.5(ALK):c.2521G>A (p.Ala841Thr)

Gene: ALK (ALK receptor tyrosine kinase; minus strand). Cytogenetic location: 2p23.2.
Variant type: single nucleotide variant.
Coding change: c.2521G>A on transcript NM_004304.5 (MANE Select); coding-DNA position 2521, G replaced by A.
Protein change: p.Ala841Thr; replaces alanine 841 with threonine.
Molecular consequence: missense variant.
Genome position (GRCh38, 1-based): chr2:29,232,415, C>T on the plus strand (G>A on the coding strand, the complement: ALK is on the minus strand). VCF-style: chr2-29232415-C-T. GRCh37 (hg19) VCF-style: chr2-29455281-C-T.
Other names: short protein forms A841T.
Identifiers: ClinVar variation 404312 (VCV000404312.12), dbSNP rs766322560, ClinGen allele CA1594275.